The following is an entry in ClinVar:

NM_004397.6(DDX6):c.257A>C (p.Lys86Thr)

Gene: DDX6 (DEAD-box helicase 6; minus strand). Cytogenetic location: 11q23.3.
Variant type: single nucleotide variant.
Coding change: c.257A>C on transcript NM_004397.6 (MANE Select); coding-DNA position 257, A replaced by C.
Protein change: p.Lys86Thr; replaces lysine 86 with threonine.
Molecular consequence: missense variant. On other transcripts: 5 prime UTR variant (1).
Genome position (GRCh38, 1-based): chr11:118,781,128, T>G on the plus strand (A>C on the coding strand, the complement: DDX6 is on the minus strand). VCF-style: chr11-118781128-T-G. GRCh37 (hg19) VCF-style: chr11-118651837-T-G.
Other names: c.257A>C, p.Lys86Thr (NM_001425153.1, NM_001257191.3, NM_001425145.1 and 7 more transcripts); c.-68A>C (NM_001425154.1); short protein forms K86T.
Identifiers: ClinVar variation 5037512 (VCV005037512.1).

ClinVar aggregate classification (germline): Uncertain significance (1 of 4 stars; one submission).

Submission:

GeneDx
Classification: Uncertain significance. Last evaluated: 2026-04-21. Review status: criteria provided, single submitter. Criteria: GeneDx Variant Classification Process June 2021. Collection method: clinical testing. Allele origin: germline.
Comment: Not observed at significant frequency in large population cohorts (gnomAD); In silico analysis supports that this missense variant has a deleterious effect on protein structure/function; Has not been previously published as pathogenic or benign to our knowledge